The following is an entry in ClinVar:

ClinVar aggregate classification (germline): Conflicting classifications of pathogenicity. Review status: criteria provided, conflicting classifications (1 of 4 stars). 5 submissions from 5 submitters: Uncertain significance (4); Likely benign (1). Last evaluated 2025-09-03.

Conditions:
Multiple endocrine neoplasia, type 1 (MEN1). Also called: MEA I; MEN I; WERMER SYNDROME; Endocrine adenomatosis multiple; MEN 1. Identifiers: Orphanet 652, MedGen C0025267, MeSH D018761, MONDO:0007540, OMIM 131100.
Hereditary cancer-predisposing syndrome. Also called: Neoplastic Syndromes, Hereditary; Hereditary neoplastic syndrome; Tumor predisposition; Hereditary Cancer Syndrome. Identifiers: Orphanet 140162, MedGen C0027672, MeSH D009386, MONDO:0015356.

Allele frequency attached by ClinVar (database versions not stated): gnomAD exomes below 0.00001; ExAC 0.00001; TOPMed 0.00001; ESP Exome Variant Server 0.00008.

Submissions (5):

Labcorp Genetics (formerly Invitae), Labcorp
Classification: Likely benign for Multiple endocrine neoplasia, type 1. Last evaluated: 2025-09-03. Review status: criteria provided, single submitter. Criteria: Invitae Variant Classification Sherloc (09022015). Collection method: clinical testing. Allele origin: germline.

All of Us Research Program, National Institutes of Health
Classification: Uncertain significance for Multiple endocrine neoplasia, type 1. Last evaluated: 2024-07-20. Review status: criteria provided, single submitter. Criteria: ACMG Guidelines, 2015. Collection method: clinical testing. Allele origin: germline. Inheritance: Autosomal dominant inheritance. Observed: 1 variant allele, 1 heterozygote.
Comment: This missense variant replaces histidine with arginine at codon 303 of the MEN1 protein. Computational prediction is inconclusive regarding the impact of this variant on protein structure and function (internally defined REVEL score threshold 0.5 < inconclusive < 0.7, PMID: 27666373). To our knowledge, functional studies have not been reported for this variant. This variant has not been reported in individuals affected with MEN1-related disorders in the literature. This variant has been identified in 1/250858 chromosomes in the general population by the Genome Aggregation Database (gnomAD). The available evidence is insufficient to determine the role of this variant in disease conclusively. Therefore, this variant is classified as a Variant of Uncertain Significance.

This study involves interpretation of variants in research participants for the purpose of population health screening. Participant phenotype was not available at the time of variant classification. Additional details can be found in publication PMID: 35346344, PMCID: PMC8962531

Color Diagnostics, LLC DBA Color Health
Classification: Uncertain significance for Multiple endocrine neoplasia, type 1. Last evaluated: 2024-07-10. Review status: criteria provided, single submitter. Criteria: ACMG Guidelines, 2015. Collection method: clinical testing. Allele origin: germline.
Comment: This missense variant replaces histidine with arginine at codon 303 of the MEN1 protein. Computational prediction is inconclusive regarding the impact of this variant on protein structure and function. To our knowledge, functional studies have not been reported for this variant. This variant has not been reported in individuals affected with MEN1-related disorders in the literature. This variant has been identified in 1/250858 chromosomes in the general population by the Genome Aggregation Database (gnomAD). The available evidence is insufficient to determine the role of this variant in disease conclusively. Therefore, this variant is classified as a Variant of Uncertain Significance.

Ambry Genetics
Classification: Uncertain significance for Hereditary cancer-predisposing syndrome. Last evaluated: 2024-05-25. Review status: criteria provided, single submitter. Criteria: Ambry Variant Classification Scheme 2023. Collection method: clinical testing. Allele origin: germline.
Comment: The p.H303R variant (also known as c.908A>G), located in coding exon 5 of the MEN1 gene, results from an A to G substitution at nucleotide position 908. The histidine at codon 303 is replaced by arginine, an amino acid with highly similar properties. This amino acid position is well conserved in available vertebrate species. In addition, the in silico prediction for this alteration is inconclusive. Since supporting evidence is limited at this time, the clinical significance of this alteration remains unclear.

Fulgent Genetics
Classification: Uncertain significance for Multiple endocrine neoplasia, type 1. Last evaluated: 2024-04-26. Review status: criteria provided, single submitter. Criteria: ACMG Guidelines, 2015. Collection method: clinical testing. Allele origin: germline.

NM_001370259.2(MEN1):c.908A>G (p.His303Arg)

Gene: MEN1 (menin 1; minus strand). Cytogenetic location: 11q13.1.
Variant type: single nucleotide variant.
Coding change: c.908A>G on transcript NM_001370259.2 (MANE Select); coding-DNA position 908, A replaced by G.
Protein change: p.His303Arg; replaces histidine 303 with arginine.
Molecular consequence: missense variant.
Genome position (GRCh38, 1-based): chr11:64,807,015, T>C on the plus strand (A>G on the coding strand, the complement: MEN1 is on the minus strand). VCF-style: chr11-64807015-T-C. GRCh37 (hg19) VCF-style: chr11-64574487-T-C.
Other names: c.923A>G, p.His308Arg (NM_000244.4, NM_130800.3, NM_130801.3 and 3 more transcripts); c.908A>G, p.His303Arg (NM_001370251.2, NM_001370260.2, NM_001370261.2 and 1 more transcripts); c.803A>G, p.His268Arg (NM_001370262.2, NM_001370263.2); short protein forms H303R, H308R, H268R.
Identifiers: ClinVar variation 661783 (VCV000661783.14), dbSNP rs373805140, ClinGen allele CA061762.